The following is an entry in ClinVar:

NM_004431.5(EPHA2):c.1040G>A (p.Arg347His)

Gene: EPHA2 (EPH receptor A2; minus strand). Cytogenetic location: 1p36.13.
Variant type: single nucleotide variant.
Coding change: c.1040G>A on transcript NM_004431.5 (MANE Select); coding-DNA position 1040, G replaced by A.
Protein change: p.Arg347His; replaces arginine 347 with histidine.
Molecular consequence: missense variant.
Genome position (GRCh38, 1-based): chr1:16,138,125, C>T on the plus strand (G>A on the coding strand, the complement: EPHA2 is on the minus strand). VCF-style: chr1-16138125-C-T. GRCh37 (hg19) VCF-style: chr1-16464620-C-T.
Other names: c.878G>A, p.Arg293His (NM_001329090.2); short protein forms R347H, R293H.
Identifiers: ClinVar variation 581585 (VCV000581585.6), dbSNP rs761928478, ClinGen allele CA625337.

ClinVar aggregate classification (germline): Uncertain significance (1 of 4 stars; one submission).

Conditions:
Cataract 6 multiple types. Also called: CATARACT, AGE-RELATED CORTICAL, 2; CATARACT 6, POSTERIOR POLAR; CATARACT 6, CONGENITAL TOTAL. Identifiers: Orphanet 91492, MedGen C1861825, MONDO:0007288, OMIM 116600.

Allele frequency attached by ClinVar (database versions not stated): gnomAD 0.00001; TOPMed 0.00001; gnomAD exomes 0.00002; ExAC 0.00003.
gnomAD v4.1: 23 of 1,609,066 alleles (0.0014%); highest among the groups gnomAD compares: Middle Eastern, 0.016%; no homozygotes.

Submission:

Labcorp Genetics (formerly Invitae), Labcorp
Classification: Uncertain significance for Cataract 6 multiple types. Last evaluated: 2018-02-08. Review status: criteria provided, single submitter. Criteria: Invitae Variant Classification Sherloc (09022015). Collection method: clinical testing. Allele origin: germline.
Comment: This variant is present in population databases (rs761928478, ExAC 0.01%). In summary, the available evidence is currently insufficient to determine the role of this variant in disease. Therefore, it has been classified as a Variant of Uncertain Significance. Algorithms developed to predict the effect of missense changes on protein structure and function do not agree on the potential impact of this missense change (SIFT: "Deleterious"; PolyPhen-2: "Benign"; Align-GVGD: "Class C0"). This variant has not been reported in the literature in individuals with EPHA2-related disease. This sequence change replaces arginine with histidine at codon 347 of the EPHA2 protein (p.Arg347His). The arginine residue is highly conserved and there is a small physicochemical difference between arginine and histidine.